The following is an entry in ClinVar:

NM_000038.6(APC):c.2892A>C (p.Leu964Phe)

Gene: APC (APC regulator of Wnt signaling pathway; plus strand). Cytogenetic location: 5q22.2.
Variant type: single nucleotide variant.
Coding change: c.2892A>C on transcript NM_000038.6 (MANE Select); coding-DNA position 2892, A replaced by C.
Protein change: p.Leu964Phe; replaces leucine 964 with phenylalanine.
Molecular consequence: missense variant.
Genome position (GRCh38, 1-based): chr5:112,838,486, A>C. VCF-style: chr5-112838486-A-C. GRCh37 (hg19) VCF-style: chr5-112174183-A-C.
Other names: c.2892A>C, p.Leu964Phe (NM_001127510.3, NM_001354895.2); c.2838A>C, p.Leu946Phe (NM_001127511.3); c.2946A>C, p.Leu982Phe (NM_001354896.2); c.2922A>C, p.Leu974Phe (NM_001354897.2); c.2817A>C, p.Leu939Phe (NM_001354898.2); c.2808A>C, p.Leu936Phe (NM_001354899.2); c.2769A>C, p.Leu923Phe (NM_001354900.2); c.2715A>C, p.Leu905Phe (NM_001354901.2); and 5 more; short protein forms L964F, L946F, L804F, L863F, L873F, L939F, L982F, L681F.
Identifiers: ClinVar variation 469779 (VCV000469779.12), dbSNP rs1554084570, ClinGen allele CA16027643.

ClinVar aggregate classification (germline): Uncertain significance (1 of 4 stars; one submission).

Conditions:
Familial adenomatous polyposis 1 (FAP1). Also called: POLYPOSIS, ADENOMATOUS INTESTINAL; FAMILIAL ADENOMATOUS POLYPOSIS 1, ATTENUATED. Identifiers: MedGen C2713442, MONDO:0021056, OMIM 175100. Disease mechanism: loss of function.

Allele frequency attached by ClinVar (database versions not stated): gnomAD exomes below 0.00001.
gnomAD v4.1: 1 of 1,614,238 alleles (0.000062%); highest among the groups gnomAD compares: Non-Finnish European, 0.000085%; no homozygotes.

Submission:

Labcorp Genetics (formerly Invitae), Labcorp
Classification: Uncertain significance for Familial adenomatous polyposis 1. Last evaluated: 2019-04-14. Review status: criteria provided, single submitter. Criteria: Invitae Variant Classification Sherloc (09022015). Collection method: clinical testing. Allele origin: germline.
Comment: In summary, this variant is a novel missense change with uncertain impact on protein function. It has been classified as a Variant of Uncertain Significance. This sequence change replaces leucine with phenylalanine at codon 964 of the APC protein (p.Leu964Phe). The leucine residue is highly conserved and there is a small physicochemical difference between leucine and phenylalanine. This variant is not present in population databases (ExAC no frequency) and has not been reported in the literature in individuals with a APC-related disease. Algorithms developed to predict the effect of missense changes on protein structure and function do not agree on the potential impact of this missense change (SIFT: "Deleterious"; PolyPhen-2: "Probably Damaging"; Align-GVGD: "Class C15").